The following is an entry in ClinVar:

ClinVar aggregate classification (germline): Uncertain significance (1 of 4 stars; one submission).

Allele frequency attached by ClinVar (database versions not stated): gnomAD exomes below 0.00001; ExAC 0.00001.
gnomAD v4.1: 1 of 1,613,972 alleles (0.000062%); highest among the groups gnomAD compares: Non-Finnish European, 0.000085%; no homozygotes.

Submission:

Labcorp Genetics (formerly Invitae), Labcorp
Classification: Uncertain significance. Last evaluated: 2021-12-08. Review status: criteria provided, single submitter. Criteria: Invitae Variant Classification Sherloc (09022015). Collection method: clinical testing. Allele origin: germline.
Comment: In summary, the available evidence is currently insufficient to determine the role of this variant in disease. Therefore, it has been classified as a Variant of Uncertain Significance. Algorithms developed to predict the effect of missense changes on protein structure and function (SIFT, PolyPhen-2, Align-GVGD) all suggest that this variant is likely to be disruptive. This variant has not been reported in the literature in individuals affected with DHX38-related conditions. The frequency data for this variant in the population databases is considered unreliable, as metrics indicate poor data quality at this position in the gnomAD database. This sequence change replaces glycine, which is neutral and non-polar, with cysteine, which is neutral and slightly polar, at codon 123 of the DHX38 protein (p.Gly123Cys).

NM_014003.4(DHX38):c.367G>T (p.Gly123Cys)

Gene: DHX38 (DEAH-box helicase 38; plus strand). Cytogenetic location: 16q22.2.
Variant type: single nucleotide variant.
Coding change: c.367G>T on transcript NM_014003.4 (MANE Select); coding-DNA position 367, G replaced by T.
Protein change: p.Gly123Cys; replaces glycine 123 with cysteine.
Molecular consequence: missense variant.
Genome position (GRCh38, 1-based): chr16:72,096,865, G>T. VCF-style: chr16-72096865-G-T. GRCh37 (hg19) VCF-style: chr16-72130764-G-T.
Other names: short protein forms G123C.
Identifiers: ClinVar variation 1396556 (VCV001396556.6), dbSNP rs748059500, ClinGen allele CA8159947.